The following is an entry in ClinVar:

ClinVar aggregate classification (germline): Uncertain significance (1 of 4 stars; one submission).

Submission:

Labcorp Genetics (formerly Invitae), Labcorp
Classification: Uncertain significance. Last evaluated: 2022-09-19. Review status: criteria provided, single submitter. Criteria: Invitae Variant Classification Sherloc (09022015). Collection method: clinical testing. Allele origin: germline.
Comment: In summary, the available evidence is currently insufficient to determine the role of this variant in disease. Therefore, it has been classified as a Variant of Uncertain Significance. This variant has not been reported in the literature in individuals affected with COL4A3-related conditions. A copy number gain of the genomic region encompassing the full coding sequence of the COL4A3 gene has been identified. The boundaries of this event are unknown as they extend beyond the assayed region for this gene and therefore may encompass additional genes. As the precise location of this event is unknown, it may be in tandem or it may be located elsewhere in the genome.

NC_000002.11:g.(?_228029443)_(228176586_?)dup

Gene: COL4A3 (collagen type IV alpha 3 chain; plus strand). Cytogenetic location: 2q36.3.
Variant type: Duplication.
Identifiers: ClinVar variation 1398570 (VCV001398570.5).